The following is an entry in ClinVar:

ClinVar aggregate classification (germline): Benign. Review status: criteria provided, single submitter (1 of 4 stars). 2 submissions from 2 submitters: Benign (1). 1 of the submissions does not count toward it. Last evaluated 2022-03-24.

Conditions:
THG1L-related disorder. Also called: THG1L-related condition. Identifiers: MedGen CN382228, MONDO:1060243.

Allele frequency attached by ClinVar (database versions not stated): 1000 Genomes Project 30x 0.11993; TOPMed 0.10626; gnomAD 0.11453; ESP Exome Variant Server 0.11479; 1000 Genomes Project 0.12420.
gnomAD v4.1: 239,415 of 1,577,552 alleles (15%); highest among the groups gnomAD compares: South Asian, 22%; 19,725 homozygotes.

Submissions (2):

Mayo Clinic Laboratories, Mayo Clinic
Classification: Benign. Last evaluated: 2022-03-24. Review status: criteria provided, single submitter. Criteria: ACMG Guidelines, 2015. Collection method: clinical testing. Allele origin: germline. Observed: 137 variant alleles.

PreventionGenetics, part of Exact Sciences
Classification: Benign for THG1L-related condition. Last evaluated: 2019-11-20. Review status: no assertion criteria provided. Collection method: clinical testing. Allele origin: germline. Not counted in ClinVar's aggregate classification.
Comment: This variant is classified as benign based on ACMG/AMP sequence variant interpretation guidelines (Richards et al. 2015 PMID: 25741868, with internal and published modifications).

NM_017872.5(THG1L):c.-10C>A

Genes: THG1L (tRNA-histidine guanylyltransferase 1 like; plus strand), LOC129995144 (ATAC-STARR-seq lymphoblastoid active region 23531; plus strand). Cytogenetic location: 5q33.3.
Variant type: single nucleotide variant.
Coding change: c.-10C>A on transcript NM_017872.5 (MANE Select); 10 bases upstream of the start codon, C replaced by A.
Molecular consequence: 5 prime UTR variant.
Genome position (GRCh38, 1-based): chr5:157,731,431, C>A. VCF-style: chr5-157731431-C-A. GRCh37 (hg19) VCF-style: chr5-157158439-C-A.
Other names: c.-311C>A (NM_001317824.2); c.-381C>A (NM_001317825.2).
Identifiers: ClinVar variation 3059739 (VCV003059739.3), dbSNP rs2270818, ClinGen allele CA3536274.
Genomic context (GRCh38, chr5:157,731,431, plus strand): 5'-CGGCTAGAGTAGCCGCGAAGAGAACACTTCCGGGGCGGGGCTATCTGGCCCTTTCCTTTC[C>A]GCGTGTAGAATGTGGGGCGCCTGTAAAGTTAAGGTTCACGATTCCTTGGCCACCATTTCC-3'